The following is an entry in ClinVar:

NM_006348.5(COG5):c.2347T>C (p.Ser783Pro)

Gene: COG5 (component of oligomeric golgi complex 5; minus strand). Cytogenetic location: 7q22.3.
Variant type: single nucleotide variant.
Coding change: c.2347T>C on transcript NM_006348.5 (MANE Select); coding-DNA position 2347, T replaced by C.
Protein change: p.Ser783Pro; replaces serine 783 with proline.
Molecular consequence: missense variant. On other transcripts: intron variant (1).
Genome position (GRCh38, 1-based): chr7:107,210,554, A>G on the plus strand (T>C on the coding strand, the complement: COG5 is on the minus strand). VCF-style: chr7-107210554-A-G. GRCh37 (hg19) VCF-style: chr7-106850999-A-G.
Other names: c.2347T>C, p.Ser783Pro (NM_001161520.2); c.2185T>C, p.Ser729Pro (NM_001379511.1); c.2173T>C, p.Ser725Pro (NM_001379512.1); c.2032T>C, p.Ser678Pro (NM_001379514.1); c.1777T>C, p.Ser593Pro (NM_001379515.1); c.1633T>C, p.Ser545Pro (NM_001379516.1); c.2284T>C, p.Ser762Pro (NM_181733.4); c.2169-6924T>C (NM_001379513.1); short protein forms S814P, S593P, S762P, S783P, S678P, S725P, S545P, S729P.
Identifiers: ClinVar variation 577469 (VCV000577469.9), dbSNP rs773449359, ClinGen allele CA368839418.

ClinVar aggregate classification (germline): Uncertain significance. Review status: criteria provided, multiple submitters, no conflicts (2 of 4 stars). 2 submissions from 2 submitters: Uncertain significance (2). Last evaluated 2025-06-27.

Conditions:
COG5-congenital disorder of glycosylation. Also called: CONGENITAL DISORDER OF GLYCOSYLATION, TYPE IIi; CDG IIi; COG5-CDG. Identifiers: Orphanet 263487, MedGen C3150876, MONDO:0013325, OMIM 613612.

gnomAD v4.1: 2 of 1,603,630 alleles (0.00012%); highest among the groups gnomAD compares: Non-Finnish European, 0.00017%; no homozygotes.

Submissions (2):

Laboratorio de Genetica e Diagnostico Molecular, Hospital Israelita Albert Einstein
Classification: Uncertain significance for COG5-congenital disorder of glycosylation. Last evaluated: 2025-06-27. Review status: criteria provided, single submitter. Criteria: ACMG Guidelines, 2015. Collection method: clinical testing. Allele origin: germline. Affected: yes.
Comment: ACMG classification criteria: PM2 supporting, BP4 supporting

Labcorp Genetics (formerly Invitae), Labcorp
Classification: Uncertain significance for COG5-congenital disorder of glycosylation. Last evaluated: 2018-06-14. Review status: criteria provided, single submitter. Criteria: Invitae Variant Classification Sherloc (09022015). Collection method: clinical testing. Allele origin: germline.
Comment: This variant is not present in population databases (ExAC no frequency). This sequence change replaces serine with proline at codon 814 of the COG5 protein (p.Ser814Pro). The serine residue is moderately conserved and there is a moderate physicochemical difference between serine and proline. This variant has not been reported in the literature in individuals with COG5-related disease. Algorithms developed to predict the effect of missense changes on protein structure and function are either unavailable or do not agree on the potential impact of this missense change (SIFT: "Deleterious"; PolyPhen-2: "Possibly Damaging"; Align-GVGD: "Class C0"). In summary, the available evidence is currently insufficient to determine the role of this variant in disease. Therefore, it has been classified as a Variant of Uncertain Significance.